The following is an entry in ClinVar:

NM_032043.3(BRIP1):c.2139_2257+80del

Gene: BRIP1 (BRCA1 interacting DNA helicase 1; minus strand). Cytogenetic location: 17q23.2.
Variant type: Deletion.
Coding change: c.2139_2257+80del on transcript NM_032043.3 (MANE Select); coding-DNA position 2139 through 80 bases into the intron after coding-DNA position 2257, 199 bases deleted.
Molecular consequence: splice donor variant.
Genome position (GRCh38, 1-based): chr17:61,744,352-61,744,550, 199 bases deleted. GRCh37 (hg19): chr17:59,821,716-59,821,914.
Identifiers: ClinVar variation 2583766 (VCV002583766.2), dbSNP rs2544834748, ClinGen allele CA2582342209.

ClinVar aggregate classification (germline): Likely pathogenic (1 of 4 stars; one submission).

Conditions:
Familial cancer of breast. Also called: BREAST CANCER, FAMILIAL; hereditary breast carcinoma; Hereditary breast cancer. Identifiers: Orphanet 227535, MedGen C0346153, MONDO:0016419, OMIM 114480. Disease mechanism: loss of function.

Submission:

Myriad Genetics, Inc.
Classification: Likely pathogenic for Familial cancer of breast. Last evaluated: 2023-06-06. Review status: criteria provided, single submitter. Criteria: Myriad Autosomal Dominant, Autosomal Recessive and X-Linked Classification Criteria (2023). Collection method: clinical testing. Allele origin: unknown.
Comment: This variant is considered likely pathogenic. This variant occurs within a consensus splice junction and is predicted to result in abnormal mRNA splicing of either an out-of-frame exon or an in-frame exon necessary for protein stability and/or normal function.